The following is an entry in ClinVar:

NM_001386135.1(AFF3):c.654A>T (p.Pro218=)

Gene: AFF3 (ALF transcription elongation factor 3; minus strand). Cytogenetic location: 2q11.2.
Variant type: single nucleotide variant.
Coding change: c.654A>T on transcript NM_001386135.1 (MANE Select); coding-DNA position 654, A replaced by T.
Protein change: p.Pro218=; no amino-acid change (proline 218 retained).
Molecular consequence: synonymous variant.
Genome position (GRCh38, 1-based): chr2:100,006,851, T>A on the plus strand (A>T on the coding strand, the complement: AFF3 is on the minus strand). VCF-style: chr2-100006851-T-A. GRCh37 (hg19) VCF-style: chr2-100623313-T-A.
Other names: c.729A>T, p.Pro243= (NM_001025108.2); c.654A>T, p.Pro218= (NM_002285.3).
Identifiers: ClinVar variation 2651201 (VCV002651201.24), dbSNP rs373262877, ClinGen allele CA1801452.
Genomic context (GRCh38, chr2:100,006,851, plus strand): 5'-CATTGGCCTCACATACGCGGTCGGTTTCTGCTGGACCAGGCTGGGTTTTGAAGCTAGGGA[T>A]GGAGGAAAGTTCTGAACACAGTGTCCGCTGCTGCTGTGCTTGGCCGCCATGGCAGGTGGC-3'
Protein context (NP_001373064.1, residues 208-228): SSGHCVQNFP[Pro218=]SLASKPSLVQ

ClinVar aggregate classification (germline): Likely benign (1 of 4 stars; one submission).

Allele frequency attached by ClinVar (database versions not stated): ExAC 0.00003; ESP Exome Variant Server 0.00008; gnomAD exomes 0.00012.
gnomAD v4.1: 187 of 1,614,074 alleles (0.012%); highest among the groups gnomAD compares: Non-Finnish European, 0.015%; no homozygotes.

Submission:

CeGaT Center for Human Genetics Tuebingen
Classification: Likely benign. Last evaluated: 2023-02-01. Review status: criteria provided, single submitter. Criteria: CeGaT Center For Human Genetics Tuebingen Variant Classification Criteria Version 2. Collection method: clinical testing. Allele origin: germline. Affected: yes. Observed: 1 variant allele.
Comment: AFF3: BP4, BP7